The following is an entry in ClinVar:

ClinVar aggregate classification (germline): Uncertain significance. Review status: criteria provided, multiple submitters, no conflicts (2 of 4 stars). 2 submissions from 2 submitters: Uncertain significance (2). Last evaluated 2023-09-22.

Conditions:
Inborn genetic diseases. Identifiers: MedGen C0950123, MeSH D030342.
Lymphedema. Also called: Lymphoedema. Identifiers: MedGen C0024236, MONDO:0019297, HP:0001004.

Allele frequency attached by ClinVar (database versions not stated): gnomAD exomes below 0.00001; gnomAD 0.00001; TOPMed 0.00001.
gnomAD v4.1: 3 of 1,613,830 alleles (0.00019%); highest among the groups gnomAD compares: Middle Eastern, 0.016%; no homozygotes.

Submissions (2):

Clinical Genomics Laboratory, Washington University in St. Louis
Classification: Uncertain significance for Lymphedema. Last evaluated: 2023-09-22. Review status: criteria provided, single submitter. Criteria: ACMG Guidelines, 2015. Collection method: clinical testing. Allele origin: germline.
Comment: The DCHS1 c.860A>G (p.Asn287Ser) variant was identified at a near heterozygous allelic fraction. This variant, to our knowledge, has not been reported in the medical literature. This variant has been reported as a germline variant of uncertain significance by one submitter (ClinVar ID: 2230699). This variant is only observed on 1/152138 alleles in the general population (gnomAD v.3.1.2), indicating it is not a common variant. Computational predictors are uncertain as to the impact of this variant on DCHS1 function. Due to limited information and based on ACMG/AMP guidelines for variant interpretation (Richards S et al., PMID: 25741868), the clinical significance of this variant is uncertain at this time.

Ambry Genetics
Classification: Uncertain significance for Inborn genetic diseases. Last evaluated: 2021-05-25. Review status: criteria provided, single submitter. Criteria: Ambry Variant Classification Scheme 2023. Collection method: clinical testing. Allele origin: germline.

NM_003737.4(DCHS1):c.860A>G (p.Asn287Ser)

Gene: DCHS1 (dachsous cadherin-related 1; minus strand). Cytogenetic location: 11p15.4.
Variant type: single nucleotide variant.
Coding change: c.860A>G on transcript NM_003737.4 (MANE Select); coding-DNA position 860, A replaced by G.
Protein change: p.Asn287Ser; replaces asparagine 287 with serine.
Molecular consequence: missense variant.
Genome position (GRCh38, 1-based): chr11:6,640,754, T>C on the plus strand (A>G on the coding strand, the complement: DCHS1 is on the minus strand). VCF-style: chr11-6640754-T-C. GRCh37 (hg19) VCF-style: chr11-6661985-T-C.
Other names: short protein forms N287S.
Identifiers: ClinVar variation 2230699 (VCV002230699.3), dbSNP rs1166183471, ClinGen allele CA379439370.